The following is an entry in ClinVar:

NM_005609.4(PYGM):c.424+1G>A

Gene: PYGM (glycogen phosphorylase, muscle associated; minus strand). Cytogenetic location: 11q13.1.
Variant type: single nucleotide variant.
Coding change: c.424+1G>A on transcript NM_005609.4 (MANE Select); the canonical splice donor site of the intron after coding-DNA position 424, G replaced by A.
Molecular consequence: splice donor variant. On other transcripts: intron variant (1).
Genome position (GRCh38, 1-based): chr11:64,758,436, C>T on the plus strand (G>A on the coding strand, the complement: PYGM is on the minus strand). VCF-style: chr11-64758436-C-T. GRCh37 (hg19) VCF-style: chr11-64525908-C-T.
Other names: c.244-170G>A (NM_001164716.1).
Identifiers: ClinVar variation 2753823 (VCV002753823.3), dbSNP rs2496670715, ClinGen allele CA381109520.
Genomic context (GRCh38, chr11:64,758,436, plus strand): 5'-CAGGGACCCAGCAAGGAGGACCCCATCGGCCCACTCCACCCTCACGGCCCTGTCTTCTTA[C>T]CTGCCAGCCGGCCCAGGCCCCCGTTGCCCAGCCCCGCATCCTCCTCAATTTCCTCCAGCT-3'

ClinVar aggregate classification (germline): Likely pathogenic (1 of 4 stars; one submission).

Conditions:
Glycogen storage disease, type V (GSD5). Also called: MCARDLE DISEASE; MUSCLE GLYCOGEN PHOSPHORYLASE DEFICIENCY; MYOPHOSPHORYLASE DEFICIENCY; PYGM DEFICIENCY; McArdle type glycogen storage disease. Identifiers: Orphanet 368, MedGen C0017924, MONDO:0009293, OMIM 232600.

gnomAD v4.1: 1 of 1,613,860 alleles (0.000062%); highest among the groups gnomAD compares: East Asian, 0.0022%; no homozygotes.

Submission:

Labcorp Genetics (formerly Invitae), Labcorp
Classification: Likely pathogenic for Glycogen storage disease, type V. Last evaluated: 2023-05-31. Review status: criteria provided, single submitter. Criteria: Invitae Variant Classification Sherloc (09022015). Collection method: clinical testing. Allele origin: germline.
Comment: In summary, the currently available evidence indicates that the variant is pathogenic, but additional data are needed to prove that conclusively. Therefore, this variant has been classified as Likely Pathogenic. This sequence change affects a donor splice site in intron 3 of the PYGM gene. It is expected to disrupt RNA splicing. Variants that disrupt the donor or acceptor splice site typically lead to a loss of protein function (PMID: 16199547), and loss-of-function variants in PYGM are known to be pathogenic (PMID: 8316268, 16786513). This variant is not present in population databases (gnomAD no frequency). This variant has not been reported in the literature in individuals affected with PYGM-related conditions. Algorithms developed to predict the effect of sequence changes on RNA splicing suggest that this variant may disrupt the consensus splice site.

Literature cited by the submitters: PubMed 16199547; PubMed 8316268; PubMed 16786513.